The following is an entry in ClinVar:

ClinVar aggregate classification (germline): Uncertain significance. Review status: criteria provided, multiple submitters, no conflicts (2 of 4 stars). 5 submissions from 5 submitters: Uncertain significance (5). Last evaluated 2026-01-07.

Conditions:
CHEK2-related disorder.
Hereditary cancer-predisposing syndrome. Also called: Neoplastic Syndromes, Hereditary; Hereditary Cancer Syndrome; Tumor predisposition; Hereditary neoplastic syndrome. Identifiers: Orphanet 140162, MedGen C0027672, MeSH D009386, MONDO:0015356.
Familial cancer of breast. Also called: BREAST CANCER, FAMILIAL; hereditary breast carcinoma; Hereditary breast cancer. Identifiers: Orphanet 227535, MedGen C0346153, MONDO:0016419, OMIM 114480. Disease mechanism: loss of function.

Allele frequency attached by ClinVar (database versions not stated): ExAC 0.00001.

Submissions (5):

Labcorp Genetics (formerly Invitae), Labcorp
Classification: Uncertain significance for Familial cancer of breast. Last evaluated: 2026-01-07. Review status: criteria provided, single submitter. Criteria: Invitae Variant Classification Sherloc (09022015). Collection method: clinical testing. Allele origin: germline.
Comment: This sequence change replaces alanine, which is neutral and non-polar, with serine, which is neutral and polar, at codon 540 of the CHEK2 protein (p.Ala540Ser). The frequency data for this variant in the population databases is considered unreliable, as metrics indicate poor data quality at this position in the gnomAD database. This variant has not been reported in the literature in individuals affected with CHEK2-related conditions. ClinVar contains an entry for this variant (Variation ID: 819676). An algorithm developed to predict the effect of missense changes on protein structure and function (PolyPhen-2) suggests that this variant is likely to be tolerated. In summary, the available evidence is currently insufficient to determine the role of this variant in disease. Therefore, it has been classified as a Variant of Uncertain Significance.

PreventionGenetics, part of Exact Sciences
Classification: Uncertain significance for CHEK2-related condition. Last evaluated: 2025-12-22. Review status: criteria provided, single submitter. Criteria: ACMG Guidelines, 2015. Collection method: clinical testing. Allele origin: germline.
Comment: The CHEK2 c.1618G>T variant is predicted to result in the amino acid substitution p.Ala540Ser. To our knowledge, this variant has not been reported in the literature or in a large population database, indicating this variant is rare. This variant is interpreted as uncertain in ClinVar (Variation ID: 819676). At this time, the clinical significance of this variant is uncertain due to the absence of conclusive functional and genetic evidence.

Ambry Genetics
Classification: Uncertain significance for Hereditary cancer-predisposing syndrome. Last evaluated: 2025-06-23. Review status: criteria provided, single submitter. Criteria: Ambry Variant Classification Scheme 2023. Collection method: clinical testing. Allele origin: germline.
Comment: The p.A540S variant (also known as c.1618G>T), located in coding exon 14 of the CHEK2 gene, results from a G to T substitution at nucleotide position 1618. The alanine at codon 540 is replaced by serine, an amino acid with similar properties. This amino acid position is not well conserved in available vertebrate species. In addition, this alteration is predicted to be tolerated by in silico analysis. Since supporting evidence is limited at this time, the clinical significance of this alteration remains unclear.

Baylor Genetics
Classification: Uncertain significance for Familial cancer of breast. Last evaluated: 2023-06-23. Review status: criteria provided, single submitter. Criteria: ACMG Guidelines, 2015. Collection method: clinical testing. Allele origin: unknown.

GeneDx
Classification: Uncertain significance. Last evaluated: 2020-02-10. Review status: criteria provided, single submitter. Criteria: GeneDx Variant Classification Process June 2021. Collection method: clinical testing. Allele origin: germline. Affected: yes.
Comment: Not observed in large population cohorts (Lek et al., 2016); In silico analysis supports that this missense variant does not alter protein structure/function; Has not been previously published as pathogenic or benign to our knowledge; Also known as c.1747G>T (p.Ala583Ser)

NM_007194.4(CHEK2):c.1618G>T (p.Ala540Ser)

Gene: CHEK2 (checkpoint kinase 2; minus strand). Cytogenetic location: 22q12.1.
Variant type: single nucleotide variant.
Coding change: c.1618G>T on transcript NM_007194.4 (MANE Select); coding-DNA position 1618, G replaced by T.
Protein change: p.Ala540Ser; replaces alanine 540 with serine.
Molecular consequence: missense variant.
Genome position (GRCh38, 1-based): chr22:28,687,911, C>A on the plus strand (G>T on the coding strand, the complement: CHEK2 is on the minus strand). VCF-style: chr22-28687911-C-A. GRCh37 (hg19) VCF-style: chr22-29083899-C-A.
Other names: c.955G>T, p.Ala319Ser (NM_001257387.3); c.1417G>T, p.Ala473Ser (NM_001349956.3); c.1531G>T, p.Ala511Ser (NM_145862.3); c.1747G>T, p.Ala583Ser (NM_001005735.3); short protein forms A319S, A473S, A511S, A540S, A583S.
Identifiers: ClinVar variation 819676 (VCV000819676.22), dbSNP rs767414081, ClinGen allele CA10167602.